The following is an entry in ClinVar:

NM_000548.5(TSC2):c.4989+15G>A

Gene: TSC2 (TSC complex subunit 2; plus strand). Cytogenetic location: 16p13.3.
Variant type: single nucleotide variant.
Coding change: c.4989+15G>A on transcript NM_000548.5 (MANE Select); 15 bases into the intron after coding-DNA position 4989, G replaced by A.
Molecular consequence: intron variant.
Genome position (GRCh38, 1-based): chr16:2,086,886, G>A. VCF-style: chr16-2086886-G-A. GRCh37 (hg19) VCF-style: chr16-2136887-G-A.
Other names: c.4920+15G>A (NM_001114382.3); c.4860+15G>A (NM_021055.3, NM_001370405.1); c.4791+15G>A (NM_001363528.2); c.4857+15G>A (NM_001370404.1); c.4788+15G>A (NM_001077183.3); c.4680+15G>A (NM_001318827.2); c.4257+15G>A (NM_001318831.2); c.4644+15G>A (NM_001318829.2); and 1 more.
Identifiers: ClinVar variation 378792 (VCV000378792.10), dbSNP rs199610889, ClinGen allele CA053195.

ClinVar aggregate classification (germline): Benign/Likely benign. Review status: criteria provided, multiple submitters, no conflicts (2 of 4 stars). 3 submissions from 3 submitters: Benign (1); Likely benign (2). Last evaluated 2026-01-28.

Conditions:
Tuberous sclerosis 2 (TSC2). Identifiers: Orphanet 805, MedGen C1860707, MONDO:0013199, OMIM 613254.

Allele frequency attached by ClinVar (database versions not stated): gnomAD exomes 0.00009 and 0.00014; ExAC 0.00036; TOPMed 0.00045; gnomAD 0.00052; ESP Exome Variant Server 0.00054; 1000 Genomes Project 0.00140; 1000 Genomes Project 30x 0.00172.
gnomAD v4.1: 210 of 1,569,584 alleles (0.013%); highest among the groups gnomAD compares: African/African-American, 0.18%; no homozygotes.

Submissions (3):

Labcorp Genetics (formerly Invitae), Labcorp
Classification: Benign for Tuberous sclerosis 2. Last evaluated: 2026-01-28. Review status: criteria provided, single submitter. Criteria: Invitae Variant Classification Sherloc (09022015). Collection method: clinical testing. Allele origin: germline.

Blueprint Genetics
Classification: Likely benign. Last evaluated: 2024-11-26. Review status: criteria provided, single submitter. Criteria: ACMG Guidelines, 2015. Collection method: clinical testing. Allele origin: germline.

GeneDx
Classification: Likely benign. Last evaluated: 2017-02-27. Review status: criteria provided, single submitter. Criteria: GeneDx Variant Classification (06012015). Collection method: clinical testing. Allele origin: germline. Affected: yes.
Comment: This variant is considered likely benign or benign based on one or more of the following criteria: it is a conservative change, it occurs at a poorly conserved position in the protein, it is predicted to be benign by multiple in silico algorithms, and/or has population frequency not consistent with disease.